The following is an entry in ClinVar:

ClinVar aggregate classification (germline): Uncertain significance. Review status: criteria provided, multiple submitters, no conflicts (2 of 4 stars). 2 submissions from 2 submitters: Uncertain significance (2). Last evaluated 2025-03-26.

Conditions:
Fibrous dysplasia of jaw (CRBM). Also called: Cherubism. Identifiers: Orphanet 184, MedGen C0008029, MONDO:0007315, OMIM 118400.
Inborn genetic diseases. Identifiers: MedGen C0950123, MeSH D030342.

Allele frequency attached by ClinVar (database versions not stated): ExAC 0.00001; gnomAD 0.00001; TOPMed 0.00001.
gnomAD v4.1: 11 of 1,613,872 alleles (0.00068%); highest among the groups gnomAD compares: South Asian, 0.0055%; no homozygotes.

Submissions (2):

Labcorp Genetics (formerly Invitae), Labcorp
Classification: Uncertain significance for Fibrous dysplasia of jaw. Last evaluated: 2025-03-26. Review status: criteria provided, single submitter. Criteria: Invitae Variant Classification Sherloc (09022015). Collection method: clinical testing. Allele origin: germline.
Comment: This sequence change replaces arginine, which is basic and polar, with glutamine, which is neutral and polar, at codon 477 of the SH3BP2 protein (p.Arg477Gln). This variant is present in population databases (rs762558421, gnomAD 0.01%). This variant has not been reported in the literature in individuals affected with SH3BP2-related conditions. ClinVar contains an entry for this variant (Variation ID: 1349643). Invitae Evidence Modeling of protein sequence and biophysical properties (such as structural, functional, and spatial information, amino acid conservation, physicochemical variation, residue mobility, and thermodynamic stability) indicates that this missense variant is not expected to disrupt SH3BP2 protein function with a negative predictive value of 95%. In summary, the available evidence is currently insufficient to determine the role of this variant in disease. Therefore, it has been classified as a Variant of Uncertain Significance.

Ambry Genetics
Classification: Uncertain significance for Inborn genetic diseases. Last evaluated: 2025-02-25. Review status: criteria provided, single submitter. Criteria: Ambry Variant Classification Scheme 2023. Collection method: clinical testing. Allele origin: germline.

NM_001122681.2(SH3BP2):c.1430G>A (p.Arg477Gln)

Gene: SH3BP2 (SH3 domain binding protein 2; plus strand). Cytogenetic location: 4p16.3.
Variant type: single nucleotide variant.
Coding change: c.1430G>A on transcript NM_001122681.2 (MANE Select); coding-DNA position 1430, G replaced by A.
Protein change: p.Arg477Gln; replaces arginine 477 with glutamine.
Molecular consequence: missense variant.
Genome position (GRCh38, 1-based): chr4:2,832,354, G>A. VCF-style: chr4-2832354-G-A. GRCh37 (hg19) VCF-style: chr4-2834081-G-A.
Other names: c.1514G>A, p.Arg505Gln (NM_001145855.2); c.1601G>A, p.Arg534Gln (NM_001145856.2); c.1430G>A, p.Arg477Gln (NM_003023.4); short protein forms R505Q, R534Q, R477Q.
Identifiers: ClinVar variation 1349643 (VCV001349643.9), dbSNP rs762558421, ClinGen allele CA2819550.